The following is an entry in ClinVar:

NM_004715.5(CTDP1):c.2113G>A (p.Val705Met)

Gene: CTDP1 (CTD phosphatase subunit 1; plus strand). Cytogenetic location: 18q23.
Variant type: single nucleotide variant.
Coding change: c.2113G>A on transcript NM_004715.5 (MANE Select); coding-DNA position 2113, G replaced by A.
Protein change: p.Val705Met; replaces valine 705 with methionine.
Molecular consequence: missense variant.
Genome position (GRCh38, 1-based): chr18:79,717,579, G>A. VCF-style: chr18-79717579-G-A. GRCh37 (hg19) VCF-style: chr18-77477579-G-A.
Other names: c.1756G>A, p.Val586Met (NM_001202504.1); c.2113G>A, p.Val705Met (NM_001318511.2, NM_048368.4); short protein forms V586M, V705M.
Identifiers: ClinVar variation 1985946 (VCV001985946.2), dbSNP rs372703325, ClinGen allele CA303774517.

ClinVar aggregate classification (germline): Uncertain significance (1 of 4 stars; one submission).

Allele frequency attached by ClinVar (database versions not stated): TOPMed 0.00003; ESP Exome Variant Server 0.00008.
gnomAD v4.1: 26 of 1,613,780 alleles (0.0016%); highest among the groups gnomAD compares: East Asian, 0.0022%; no homozygotes.

Submission:

Labcorp Genetics (formerly Invitae), Labcorp
Classification: Uncertain significance. Last evaluated: 2022-08-06. Review status: criteria provided, single submitter. Criteria: Invitae Variant Classification Sherloc (09022015). Collection method: clinical testing. Allele origin: germline.
Comment: In summary, the available evidence is currently insufficient to determine the role of this variant in disease. Therefore, it has been classified as a Variant of Uncertain Significance. Experimental studies are conflicting or provide insufficient evidence to determine the effect of this variant on CTDP1 function (PMID: 31240132). Algorithms developed to predict the effect of missense changes on protein structure and function are either unavailable or do not agree on the potential impact of this missense change (SIFT: "Deleterious"; PolyPhen-2: "Probably Damaging"; Align-GVGD: "Class C0"). This variant has not been reported in the literature in individuals affected with CTDP1-related conditions. This variant is present in population databases (rs372703325, gnomAD 0.004%). This sequence change replaces valine, which is neutral and non-polar, with methionine, which is neutral and non-polar, at codon 705 of the CTDP1 protein (p.Val705Met).

Literature cited by the submitters: PubMed 31240132.